The following is an entry in ClinVar:

ClinVar aggregate classification (germline): Likely benign (1 of 4 stars; one submission).

Allele frequency attached by ClinVar (database versions not stated): 1000 Genomes Project 0.01498; 1000 Genomes Project 30x 0.01608; TOPMed 0.03047; gnomAD 0.03275 and 0.03306.
gnomAD v4.1: 5,002 of 152,264 alleles (3.3%); highest among the groups gnomAD compares: Non-Finnish European, 5.1%; 110 homozygotes.

Submission:

GeneDx
Classification: Likely benign. Last evaluated: 2018-06-19. Review status: criteria provided, single submitter. Criteria: GeneDx Variant Classification (06012015). Collection method: clinical testing. Allele origin: germline. Affected: yes.
Comment: This variant is considered likely benign or benign based on one or more of the following criteria: it is a conservative change, it occurs at a poorly conserved position in the protein, it is predicted to be benign by multiple in silico algorithms, and/or has population frequency not consistent with disease.

NM_032578.4(MYPN):c.1131-170A>G

Gene: MYPN (myopalladin; plus strand). Cytogenetic location: 10q21.3.
Variant type: single nucleotide variant.
Coding change: c.1131-170A>G on transcript NM_032578.4 (MANE Select); 170 bases into the intron before coding-DNA position 1131, A replaced by G.
Molecular consequence: intron variant.
Genome position (GRCh38, 1-based): chr10:68,148,183, A>G. VCF-style: chr10-68148183-A-G. GRCh37 (hg19) VCF-style: chr10-69907940-A-G.
Other names: c.1131-170A>G (NM_001256267.2); c.249-170A>G (NM_001256268.2).
Identifiers: ClinVar variation 675238 (VCV000675238.1), dbSNP rs17457486, ClinGen allele CA208181530.